The following is an entry in ClinVar:

ClinVar aggregate classification (germline): Uncertain significance (1 of 4 stars; one submission).

Allele frequency attached by ClinVar (database versions not stated): gnomAD exomes below 0.00001; TOPMed below 0.00001.
gnomAD v4.1: 1 of 1,575,630 alleles (0.000063%); highest among the groups gnomAD compares: African/African-American, 0.0013%; no homozygotes.

Submission:

Labcorp Genetics (formerly Invitae), Labcorp
Classification: Uncertain significance. Last evaluated: 2023-08-10. Review status: criteria provided, single submitter. Criteria: Invitae Variant Classification Sherloc (09022015). Collection method: clinical testing. Allele origin: germline.
Comment: ClinVar contains an entry for this variant (Variation ID: 1934248). This sequence change replaces proline, which is neutral and non-polar, with leucine, which is neutral and non-polar, at codon 1635 of the KAT6A protein (p.Pro1635Leu). This variant is not present in population databases (gnomAD no frequency). This variant has not been reported in the literature in individuals affected with KAT6A-related conditions. Experimental studies and prediction algorithms are not available or were not evaluated, and the functional significance of this variant is currently unknown. In summary, the available evidence is currently insufficient to determine the role of this variant in disease. Therefore, it has been classified as a Variant of Uncertain Significance.

NM_006766.5(KAT6A):c.4904C>T (p.Pro1635Leu)

Gene: KAT6A (lysine acetyltransferase 6A; minus strand). Cytogenetic location: 8p11.21.
Variant type: single nucleotide variant.
Coding change: c.4904C>T on transcript NM_006766.5 (MANE Select); coding-DNA position 4904, C replaced by T.
Protein change: p.Pro1635Leu; replaces proline 1635 with leucine.
Molecular consequence: missense variant.
Genome position (GRCh38, 1-based): chr8:41,933,316, G>A on the plus strand (C>T on the coding strand, the complement: KAT6A is on the minus strand). VCF-style: chr8-41933316-G-A. GRCh37 (hg19) VCF-style: chr8-41790834-G-A.
Other names: short protein forms P1635L.
Identifiers: ClinVar variation 1934248 (VCV001934248.5), dbSNP rs1821663621, ClinGen allele CA371064304.